The following is an entry in ClinVar:

NM_001042492.3(NF1):c.17C>A (p.Pro6Gln)

Genes: NF1 (neurofibromin 1; plus strand), MIR4733HG (MIR4733 host gene; minus strand), LOC111811965 (NF1 (neurofibromin 1) promoter region; plus strand). Cytogenetic location: 17q11.2.
Variant type: single nucleotide variant.
Coding change: c.17C>A on transcript NM_001042492.3 (MANE Select); coding-DNA position 17, C replaced by A.
Protein change: p.Pro6Gln; replaces proline 6 with glutamine.
Molecular consequence: missense variant. On other transcripts: non-coding transcript variant (1).
Genome position (GRCh38, 1-based): chr17:31,095,326, C>A. VCF-style: chr17-31095326-C-A. GRCh37 (hg19) VCF-style: chr17-29422344-C-A.
Other names: c.17C>A, p.Pro6Gln (NM_000267.4, NM_001128147.3); short protein forms P6Q.
Identifiers: ClinVar variation 1780354 (VCV001780354.2), dbSNP rs864622210, ClinGen allele CA398979222.

ClinVar aggregate classification (germline): Uncertain significance (1 of 4 stars; one submission).

Conditions:
Hereditary cancer-predisposing syndrome. Also called: Neoplastic Syndromes, Hereditary; Tumor predisposition; Hereditary Cancer Syndrome; Hereditary neoplastic syndrome. Identifiers: Orphanet 140162, MedGen C0027672, MeSH D009386, MONDO:0015356.
Cardiovascular phenotype. Identifiers: MedGen CN230736.

Submission:

Ambry Genetics
Classification: Uncertain significance for Cardiovascular phenotype; Hereditary cancer-predisposing syndrome. Last evaluated: 2020-02-19. Review status: criteria provided, single submitter. Criteria: Ambry Variant Classification Scheme 2023. Collection method: clinical testing. Allele origin: germline.
Comment: The p.P6Q variant (also known as c.17C>A), located in coding exon 1 of the NF1 gene, results from a C to A substitution at nucleotide position 17. The proline at codon 6 is replaced by glutamine, an amino acid with similar properties. This amino acid position is highly conserved in available vertebrate species. In addition, this alteration is predicted to be tolerated by in silico analysis. Since supporting evidence is limited at this time, the clinical significance of this alteration remains unclear.